The following is an entry in ClinVar:

ClinVar aggregate classification (germline): Uncertain significance. Review status: criteria provided, multiple submitters, no conflicts (2 of 4 stars). 2 submissions from 2 submitters: Uncertain significance (2). Last evaluated 2023-06-21.

Conditions:
Amyotrophic lateral sclerosis type 1 (ALS1). Also called: AMYOTROPHIC LATERAL SCLEROSIS 1, FAMILIAL. Identifiers: Orphanet 803, MedGen C1862939, MONDO:0007103, OMIM 105400.
Perry syndrome. Also called: PARKINSONISM WITH ALVEOLAR HYPOVENTILATION AND MENTAL DEPRESSION. Identifiers: Orphanet 178509, MedGen C1868594, MONDO:0008201, OMIM 168605.
Neuronopathy, distal hereditary motor, type 7B. Also called: LOWER MOTOR NEURON DISEASE, DYNACTIN TYPE; HMN VIIB; Distal Hereditary Motor Neuronopathy Type 7B (dHMN7B); NEURONOPATHY, DISTAL HEREDITARY MOTOR, AUTOSOMAL DOMINANT 14; NEURONOPATHY, DISTAL HEREDITARY MOTOR, HARDING TYPE VIIB; NEUROPATHY, DISTAL HEREDITARY MOTOR, HARDING TYPE VIIB. Identifiers: Orphanet 139589, MedGen C1843315, MONDO:0011879, OMIM 607641.

Submissions (2):

GeneDx
Classification: Uncertain significance. Last evaluated: 2023-06-21. Review status: criteria provided, single submitter. Criteria: GeneDx Variant Classification Process June 2021. Collection method: clinical testing. Allele origin: germline. Affected: yes.
Comment: Not observed at significant frequency in large population cohorts (gnomAD); In-frame deletion of 1 amino acids in a non-repeat region; In silico analysis supports that this variant does not alter protein structure/function; Has not been previously published as pathogenic or benign to our knowledge

Labcorp Genetics (formerly Invitae), Labcorp
Classification: Uncertain significance for Amyotrophic lateral sclerosis type 1; Neuronopathy, distal hereditary motor, type 7B; Perry syndrome. Last evaluated: 2022-08-16. Review status: criteria provided, single submitter. Criteria: Invitae Variant Classification Sherloc (09022015). Collection method: clinical testing. Allele origin: germline.
Comment: Experimental studies and prediction algorithms are not available or were not evaluated, and the functional significance of this variant is currently unknown. In summary, the available evidence is currently insufficient to determine the role of this variant in disease. Therefore, it has been classified as a Variant of Uncertain Significance. This variant has not been reported in the literature in individuals affected with DCTN1-related conditions. This variant is present in population databases (no rsID available, gnomAD 0.0009%). This variant, c.2935_2937del, results in the deletion of 1 amino acid(s) of the DCTN1 protein (p.Lys979del), but otherwise preserves the integrity of the reading frame.

NM_004082.5(DCTN1):c.2932AAG[1] (p.Lys979del)

Gene: DCTN1 (dynactin subunit 1; minus strand). Cytogenetic location: 2p13.1.
Variant type: Microsatellite.
Coding change: c.2932AAG[1] on transcript NM_004082.5 (MANE Select); one copy of the 3-base unit AAG starting at c.2932; the reference has two copies in a row; one copy, 3 bases deleted; also written c.2935_2937del.
Protein change: p.Lys979del; deletes lysine 979.
Molecular consequence: inframe deletion. On other transcripts: non-coding transcript variant (1).
Genome position (GRCh38, 1-based): chr2:74,365,607-74,365,609, CTT deleted on the plus strand (AAG on the coding strand, the reverse complement: DCTN1 is on the minus strand); deleting any 3 consecutive bases within chr2:74,365,607-74,365,614 gives the same sequence; the position shown is the placement nearest the transcript's 3' end. VCF-style (leftmost placement, unchanged base first): chr2-74365606-ACTT-A. GRCh37 (hg19) VCF-style: chr2-74592733-ACTT-A.
Other names: c.2872AAG[1], p.Lys959del (NM_001135040.3); c.2530AAG[1], p.Lys845del (NM_001135041.3, NM_023019.4); c.2821AAG[1], p.Lys942del (NM_001190836.2); c.2911AAG[1], p.Lys972del (NM_001190837.2); c.2881AAG[1], p.Lys962del (NM_001378991.1); c.2863AAG[1], p.Lys956del (NM_001378992.1); c.2935_2937del (NM_004082.4); short protein forms K942del, K956del, K979del, K845del, K959del, K972del, K962del.
Identifiers: ClinVar variation 1417602 (VCV001417602.7), dbSNP rs1371339798, ClinGen allele CA533720236.
Genomic context (GRCh38, chr2:74,365,606, plus strand): 5'-CCTCCAGCCGAGTCTGGACTTTCTCGATGCGCTCATCTGCATCCTTGGCAGCACTGTCCA[ACTT>A]CTTCTCCAGGAGGCTCAGCCGCACATTGGCCTCACTTAGCTCCTCTCCCTGGACAAGGAC-3'